The following is an entry in ClinVar:

NM_206933.4(USH2A):c.14804G>A (p.Arg4935Gln)

Gene: USH2A (usherin; minus strand). Cytogenetic location: 1q41.
Variant type: single nucleotide variant.
Coding change: c.14804G>A on transcript NM_206933.4 (MANE Select); coding-DNA position 14804, G replaced by A.
Protein change: p.Arg4935Gln; replaces arginine 4935 with glutamine.
Molecular consequence: missense variant.
Genome position (GRCh38, 1-based): chr1:215,640,722, C>T on the plus strand (G>A on the coding strand, the complement: USH2A is on the minus strand). VCF-style: chr1-215640722-C-T. GRCh37 (hg19) VCF-style: chr1-215814064-C-T.
Other names: short protein forms R4935Q.
Identifiers: ClinVar variation 730283 (VCV000730283.12), dbSNP rs141126974, ClinGen allele CA1392911.

ClinVar aggregate classification (germline): Conflicting classifications of pathogenicity. Review status: criteria provided, conflicting classifications (1 of 4 stars). 3 submissions from 3 submitters: Uncertain significance (1); Likely benign (1). 1 of the submissions does not count toward it. Last evaluated 2026-01-16.

Conditions:
USH2A-related disorder. Also called: USH2A-related disorders; USH2A-related condition. Identifiers: MedGen CN239332.

Allele frequency attached by ClinVar (database versions not stated): gnomAD exomes 0.00006 and 0.00017; ExAC 0.00018; gnomAD 0.00052 and 0.00058; ESP Exome Variant Server 0.00062; TOPMed 0.00069.
gnomAD v4.1: 169 of 1,611,828 alleles (0.01%); highest among the groups gnomAD compares: African/African-American, 0.19%; no homozygotes.

Submissions (3):

Labcorp Genetics (formerly Invitae), Labcorp
Classification: Likely benign. Last evaluated: 2026-01-16. Review status: criteria provided, single submitter. Criteria: Invitae Variant Classification Sherloc (09022015). Collection method: clinical testing. Allele origin: germline.

Blueprint Genetics
Classification: Uncertain significance. Last evaluated: 2024-02-01. Review status: criteria provided, single submitter. Criteria: ACMG Guidelines, 2015. Collection method: clinical testing. Allele origin: germline.

PreventionGenetics, part of Exact Sciences
Classification: Likely benign for USH2A-related condition. Last evaluated: 2024-04-30. Review status: no assertion criteria provided. Collection method: clinical testing. Allele origin: germline. Not counted in ClinVar's aggregate classification.
Comment: This variant is classified as likely benign based on ACMG/AMP sequence variant interpretation guidelines (Richards et al. 2015 PMID: 25741868, with internal and published modifications).